The following is an entry in ClinVar:

ClinVar aggregate classification (germline): Uncertain significance (1 of 4 stars; one submission).

Allele frequency attached by ClinVar (database versions not stated): gnomAD exomes below 0.00001.
gnomAD v4.1: 1 of 1,612,502 alleles (0.000062%); highest among the groups gnomAD compares: South Asian, 0.0011%; no homozygotes.

Submission:

Labcorp Genetics (formerly Invitae), Labcorp
Classification: Uncertain significance. Last evaluated: 2023-04-11. Review status: criteria provided, single submitter. Criteria: Invitae Variant Classification Sherloc (09022015). Collection method: clinical testing. Allele origin: germline.
Comment: In summary, the available evidence is currently insufficient to determine the role of this variant in disease. Therefore, it has been classified as a Variant of Uncertain Significance. An algorithm developed to predict the effect of missense changes on protein structure and function (PolyPhen-2) suggests that this variant is likely to be disruptive. This variant has not been reported in the literature in individuals affected with ADGRA3-related conditions. This variant is present in population databases (no rsID available, gnomAD 0.003%). This sequence change replaces serine, which is neutral and polar, with asparagine, which is neutral and polar, at codon 344 of the ADGRA3 protein (p.Ser344Asn).

NM_145290.4(ADGRA3):c.1031G>A (p.Ser344Asn)

Gene: ADGRA3 (adhesion G protein-coupled receptor A3; minus strand). Cytogenetic location: 4p15.2.
Variant type: single nucleotide variant.
Coding change: c.1031G>A on transcript NM_145290.4 (MANE Select); coding-DNA position 1031, G replaced by A.
Protein change: p.Ser344Asn; replaces serine 344 with asparagine.
Molecular consequence: missense variant.
Genome position (GRCh38, 1-based): chr4:22,438,310, C>T on the plus strand (G>A on the coding strand, the complement: ADGRA3 is on the minus strand). VCF-style: chr4-22438310-C-T. GRCh37 (hg19) VCF-style: chr4-22439933-C-T.
Other names: short protein forms S344N.
Identifiers: ClinVar variation 2855263 (VCV002855263.3), dbSNP rs1427630925, ClinGen allele CA356482604.
Genomic context (GRCh38, chr4:22,438,310, plus strand): 5'-ACTGACCTGAAGTCACCTTTGTTGTTTACCACCCTCTCTGGAGGACAGTACTGTGCAGAA[C>T]TCTCTAATACCACAATATCCACAGTCCTCGTATTATTCCCACGTTTGGTCTGGACATGAC-3'
Protein context (NP_660333.2, residues 334-354): TRTVDIVVLE[Ser344Asn]SAQYCPPERV